The following is an entry in ClinVar:

NM_003900.5(SQSTM1):c.1031AAG[1] (p.Glu345del)

Gene: SQSTM1 (sequestosome 1; plus strand). Cytogenetic location: 5q35.3.
Variant type: Microsatellite.
Coding change: c.1031AAG[1] on transcript NM_003900.5 (MANE Select); one copy of the 3-base unit AAG starting at c.1031; the reference has two copies in a row; one copy, 3 bases deleted.
Protein change: p.Glu345del; deletes glutamic acid 345.
Genome position (GRCh38, 1-based): chr5:179,833,651-179,833,653, AAG deleted; deleting any 3 consecutive bases within chr5:179,833,648-179,833,653 gives the same sequence; the position shown is the placement nearest the transcript's 3' end. VCF-style (leftmost placement, unchanged base first): chr5-179833647-AAAG-A. GRCh37 (hg19) VCF-style: chr5-179260647-AAAG-A.
Other names: c.779AAG[1], p.Glu261del (NM_001142298.2, NM_001142299.2); short protein forms E261del, E345del.
Identifiers: ClinVar variation 3572696 (VCV003572696.2).
Genomic context (GRCh38, chr5:179,833,647, plus strand): 5'-GAACAGATGGAGTCGGATAACTGTTCAGGAGGAGATGATGACTGGACCCATCTGTCTTCA[AAAG>A]AAGTGGACCCGTCTACAGGTGAACTCCAGTCCCTACAGATGCCAGAATCCGAAGGGCCAA-3'

ClinVar aggregate classification (germline): Uncertain significance. Review status: criteria provided, multiple submitters, no conflicts (2 of 4 stars). 2 submissions from 2 submitters: Uncertain significance (2). Last evaluated 2025-02-25.

Conditions:
Frontotemporal dementia and/or amyotrophic lateral sclerosis 1 (FTDALS1). Also called: Frontotemporal dementia with motor neuron disease 1; C9orf72 Frontotemporal Dementia and/or Amyotrophic Lateral Sclerosis. Identifiers: Orphanet 275872, MedGen C5779877, MONDO:0007105, OMIM 105550.
Paget disease of bone 2, early-onset (PDB2). Also called: Paget disease of bone 2. Identifiers: MedGen C4085251, MONDO:0011183, OMIM 602080.

Submissions (2):

Labcorp Genetics (formerly Invitae), Labcorp
Classification: Uncertain significance for Paget disease of bone 2, early-onset; Frontotemporal dementia and/or amyotrophic lateral sclerosis 1. Last evaluated: 2025-02-25. Review status: criteria provided, single submitter. Criteria: Invitae Variant Classification Sherloc (09022015). Collection method: clinical testing. Allele origin: germline.
Comment: This variant, c.1034_1036del, results in the deletion of 1 amino acid(s) of the SQSTM1 protein (p.Glu345del), but otherwise preserves the integrity of the reading frame. This variant is present in population databases (rs747073722, gnomAD no frequency). This variant has not been reported in the literature in individuals affected with SQSTM1-related conditions. ClinVar contains an entry for this variant (Variation ID: 3572696). Experimental studies and prediction algorithms are not available or were not evaluated, and the functional significance of this variant is currently unknown. In summary, the available evidence is currently insufficient to determine the role of this variant in disease. Therefore, it has been classified as a Variant of Uncertain Significance.

GeneDx
Classification: Uncertain significance. Last evaluated: 2024-07-13. Review status: criteria provided, single submitter. Criteria: GeneDx Variant Classification Process June 2021. Collection method: clinical testing. Allele origin: germline. Affected: yes.
Comment: Not observed at significant frequency in large population cohorts (gnomAD); In-frame deletion of 1 amino acids in a non-repeat region; In silico analysis supports a deleterious effect on protein structure/function; Has not been previously published as pathogenic or benign to our knowledge